The following is an entry in ClinVar:

NM_001363810.1(VMA21):c.194G>C (p.Gly65Ala)

Gene: VMA21 (vacuolar ATPase assembly factor VMA21; plus strand). Cytogenetic location: Xq28.
Variant type: single nucleotide variant.
Coding change: c.194G>C on transcript NM_001363810.1; coding-DNA position 194, G replaced by C.
Protein change: p.Gly65Ala; replaces glycine 65 with alanine.
Molecular consequence: missense variant.
Genome position (GRCh38, 1-based): chrX:151,397,033, G>C. VCF-style: chrX-151397033-G-C. GRCh37 (hg19) VCF-style: chrX-150565505-G-C.
Other names: short protein forms G65A.
Identifiers: ClinVar variation 3045664 (VCV003045664.4), dbSNP rs753376606, ClinGen allele CA10540514.

ClinVar aggregate classification (germline): Likely benign. Review status: criteria provided, single submitter (1 of 4 stars). 2 submissions from 2 submitters: Likely benign (1). 1 of the submissions does not count toward it. Last evaluated 2023-07-17.

Conditions:
X-linked myopathy with excessive autophagy (AVM). Also called: Vacuolar myopathy; Autophagic vacuolar myopathy. Identifiers: Orphanet 25980, MedGen C1839615, MONDO:0010684, OMIM 310440.
VMA21-related disorder. Also called: VMA21-related condition.

Allele frequency attached by ClinVar (database versions not stated): 1000 Genomes Project 0.00265; ExAC 0.00018; 1000 Genomes Project 30x 0.00187.
gnomAD v4.1: 228 of 500,372 alleles (0.046%); highest among the groups gnomAD compares: East Asian, 0.8%; no homozygotes.

Submissions (2):

Victorian Clinical Genetics Services, Murdoch Childrens Research Institute
Classification: Likely benign for X-linked myopathy with excessive autophagy. Last evaluated: 2023-07-17. Review status: criteria provided, single submitter. Criteria: ACMG Guidelines, 2015. Collection method: clinical testing. Allele origin: germline. Inheritance: X-linked recessive inheritance.
Comment: Based on the classification scheme VCGS_Germline_v1.3.4, this variant is classified as Likely Benign. Following criteria are met: 0308 - Population frequency for this variant is out of keeping with known incidence of Myopathy, X-linked, with excessive autophagy (MIM#310440). (SB)

PreventionGenetics, part of Exact Sciences
Classification: Benign for VMA21-related condition. Last evaluated: 2019-10-28. Review status: no assertion criteria provided. Collection method: clinical testing. Allele origin: germline. Not counted in ClinVar's aggregate classification.
Comment: This variant is classified as benign based on ACMG/AMP sequence variant interpretation guidelines (Richards et al. 2015 PMID: 25741868, with internal and published modifications).